The following is an entry in ClinVar:

NM_001329943.3(KIAA0586):c.868T>G (p.Ser290Ala)

Gene: KIAA0586 (KIAA0586; plus strand). Cytogenetic location: 14q23.1.
Variant type: single nucleotide variant.
Coding change: c.868T>G on transcript NM_001329943.3 (MANE Select); coding-DNA position 868, T replaced by G.
Protein change: p.Ser290Ala; replaces serine 290 with alanine.
Molecular consequence: missense variant.
Genome position (GRCh38, 1-based): chr14:58,448,400, T>G. VCF-style: chr14-58448400-T-G. GRCh37 (hg19) VCF-style: chr14-58915118-T-G.
Other names: c.1027T>G, p.Ser343Ala (NM_001244189.2); c.823T>G, p.Ser275Ala (NM_001244190.2); c.613T>G, p.Ser205Ala (NM_001244191.2, NM_001329945.2, NM_001364700.1 and 1 more transcripts); c.736T>G, p.Ser246Ala (NM_001244192.2); c.448T>G, p.Ser150Ala (NM_001244193.2); c.868T>G, p.Ser290Ala (NM_001329944.2, NM_001329946.2, NM_001329947.2 and 1 more transcripts); short protein forms S150A, S246A, S290A, S205A, S275A, S343A.
Identifiers: ClinVar variation 1401685 (VCV001401685.8), dbSNP rs1372486181, ClinGen allele CA389863961.

ClinVar aggregate classification (germline): Uncertain significance (1 of 4 stars; one submission).

Conditions:
Short-rib thoracic dysplasia 14 with polydactyly (SRTD14). Identifiers: Orphanet 397715, MedGen C4225286, MONDO:0014688, OMIM 616546.
Joubert syndrome 23 (JBTS23). Identifiers: Orphanet 475, MedGen C4084822, MONDO:0014664, OMIM 616490.

Allele frequency attached by ClinVar (database versions not stated): gnomAD exomes below 0.00001; TOPMed below 0.00001; gnomAD 0.00001.
gnomAD v4.1: 4 of 1,609,738 alleles (0.00025%); highest among the groups gnomAD compares: Non-Finnish European, 0.00026%; no homozygotes.

Submission:

Labcorp Genetics (formerly Invitae), Labcorp
Classification: Uncertain significance for Joubert syndrome 23; Short-rib thoracic dysplasia 14 with polydactyly. Last evaluated: 2021-05-19. Review status: criteria provided, single submitter. Criteria: Invitae Variant Classification Sherloc (09022015). Collection method: clinical testing. Allele origin: germline.
Comment: This sequence change replaces serine with alanine at codon 343 of the KIAA0586 protein (p.Ser343Ala). The serine residue is highly conserved and there is a moderate physicochemical difference between serine and alanine. In summary, the available evidence is currently insufficient to determine the role of this variant in disease. Therefore, it has been classified as a Variant of Uncertain Significance. Algorithms developed to predict the effect of missense changes on protein structure and function are either unavailable or do not agree on the potential impact of this missense change (SIFT: "Deleterious"; PolyPhen-2: "Benign"; Align-GVGD: "Class C0"). This variant has not been reported in the literature in individuals with KIAA0586-related conditions. This variant is not present in population databases (ExAC no frequency).